The following is an entry in ClinVar:

NM_024598.4(USB1):c.37G>C (p.Gly13Arg)

Gene: USB1 (U6 snRNA biogenesis phosphodiesterase 1; plus strand). Cytogenetic location: 16q21.
Variant type: single nucleotide variant.
Coding change: c.37G>C on transcript NM_024598.4 (MANE Select); coding-DNA position 37, G replaced by C.
Protein change: p.Gly13Arg; replaces glycine 13 with arginine.
Molecular consequence: missense variant. On other transcripts: intron variant (1).
Genome position (GRCh38, 1-based): chr16:58,001,520, G>C. VCF-style: chr16-58001520-G-C. GRCh37 (hg19) VCF-style: chr16-58035424-G-C.
Other names: c.37G>C, p.Gly13Arg (NM_001195302.2, NM_001204911.2, NM_001330569.2); c.-55-959G>C (NM_001330568.2); short protein forms G13R.
Identifiers: ClinVar variation 4634192 (VCV004634192.1).
Genomic context (GRCh38, chr16:58,001,520, plus strand): 5'-TCTGGTGGTCTTGGATGAGGCCCCATGAGCGCGGCGCCCCTGGTGGGCTACAGCAGCAGC[G>C]GCTCCGAGGATGAGTCCGAGGACGGGATGCGGACCAGGCCGGGGGATGGGAGCCACCGTC-3'
Protein context (NP_078874.2, residues 3-23): AAPLVGYSSS[Gly13Arg]SEDESEDGMR

ClinVar aggregate classification (germline): Uncertain significance (1 of 4 stars; one submission).

Conditions:
Inborn genetic diseases. Identifiers: MedGen C0950123, MeSH D030342.

gnomAD v4.1: 4 of 1,608,274 alleles (0.00025%); highest among the groups gnomAD compares: South Asian, 0.0011%; no homozygotes.

Submission:

Ambry Genetics
Classification: Uncertain significance for Inborn genetic diseases. Last evaluated: 2025-10-16. Review status: criteria provided, single submitter. Criteria: Ambry Variant Classification Scheme 2023. Collection method: clinical testing. Allele origin: germline.
Comment: The p.G13R variant (also known as c.37G>C), located in coding exon 1 of the USB1 gene, results from a G to C substitution at nucleotide position 37. The glycine at codon 13 is replaced by arginine, an amino acid with dissimilar properties. This amino acid position is conserved. In addition, this alteration is predicted to be tolerated by in silico analysis. Based on the available evidence, the clinical significance of this variant remains unclear.